The following is an entry in ClinVar:

ClinVar aggregate classification (germline): Uncertain significance (1 of 4 stars; one submission).

Submission:

HudsonAlpha Institute for Biotechnology
Classification: Uncertain significance. Last evaluated: 2021-08-10. Review status: criteria provided, single submitter. Criteria: ACMG Guidelines, 2015. Collection method: research. Allele origin: unknown. Observed: 1 variant allele. Study: HudsonAlpha-AGHI-WGS.
Comment: ACMG codes:PM2, PP3

NM_020706.2(SCAF4):c.159G>T (p.Lys53Asn)

Gene: SCAF4 (SR-related CTD associated factor 4; minus strand). Cytogenetic location: 21q22.11.
Variant type: single nucleotide variant.
Coding change: c.159G>T on transcript NM_020706.2 (MANE Select); coding-DNA position 159, G replaced by T.
Protein change: p.Lys53Asn; replaces lysine 53 with asparagine.
Molecular consequence: missense variant. On other transcripts: intron variant (1).
Genome position (GRCh38, 1-based): chr21:31,705,423, C>A on the plus strand (G>T on the coding strand, the complement: SCAF4 is on the minus strand). VCF-style: chr21-31705423-C-A. GRCh37 (hg19) VCF-style: chr21-33077736-C-A.
Other names: c.159G>T, p.Lys53Asn (NM_001145445.1); c.114+851G>T (NM_001145444.1); short protein forms K53N.
Identifiers: ClinVar variation 1251959 (VCV001251959.1), dbSNP rs763344051, ClinGen allele CA410051720.